The following is an entry in ClinVar:

NM_001378778.1(MPDZ):c.3263A>T (p.Tyr1088Phe)

Gene: MPDZ (multiple PDZ domain crumbs cell polarity complex component; minus strand). Cytogenetic location: 9p23.
Variant type: single nucleotide variant.
Coding change: c.3263A>T on transcript NM_001378778.1 (MANE Select); coding-DNA position 3263, A replaced by T.
Protein change: p.Tyr1088Phe; replaces tyrosine 1088 with phenylalanine.
Molecular consequence: missense variant. On other transcripts: intron variant (1).
Genome position (GRCh38, 1-based): chr9:13,162,787, T>A on the plus strand (A>T on the coding strand, the complement: MPDZ is on the minus strand). VCF-style: chr9-13162787-T-A. GRCh37 (hg19) VCF-style: chr9-13162786-T-A.
Other names: c.3263A>T, p.Tyr1088Phe (NM_001261406.2, NM_001261407.2, NM_001330637.2 and 13 more transcripts); c.3254+5579A>T (NM_001375427.1); short protein forms Y1088F.
Identifiers: ClinVar variation 1443516 (VCV001443516.6), dbSNP rs372125677, ClinGen allele CA372952260.

ClinVar aggregate classification (germline): Uncertain significance (1 of 4 stars; one submission).

Submission:

Labcorp Genetics (formerly Invitae), Labcorp
Classification: Uncertain significance. Last evaluated: 2021-10-18. Review status: criteria provided, single submitter. Criteria: Invitae Variant Classification Sherloc (09022015). Collection method: clinical testing. Allele origin: germline.
Comment: This variant is not present in population databases (ExAC no frequency). This sequence change replaces tyrosine with phenylalanine at codon 1088 of the MPDZ protein (p.Tyr1088Phe). The tyrosine residue is highly conserved and there is a small physicochemical difference between tyrosine and phenylalanine. This variant has not been reported in the literature in individuals affected with MPDZ-related conditions. Algorithms developed to predict the effect of missense changes on protein structure and function are either unavailable or do not agree on the potential impact of this missense change (SIFT: "Deleterious"; PolyPhen-2: "Probably Damaging"; Align-GVGD: "Class C15"). In summary, the available evidence is currently insufficient to determine the role of this variant in disease. Therefore, it has been classified as a Variant of Uncertain Significance.